The following is an entry in ClinVar:

NM_020117.11(LARS1):c.1655+6A>G

Gene: LARS1 (leucyl-tRNA synthetase 1; minus strand). Cytogenetic location: 5q32.
Variant type: single nucleotide variant.
Coding change: c.1655+6A>G on transcript NM_020117.11 (MANE Select); 6 bases into the intron after coding-DNA position 1655, A replaced by G.
Molecular consequence: intron variant.
Genome position (GRCh38, 1-based): chr5:146,144,466, T>C on the plus strand (A>G on the coding strand, the complement: LARS1 is on the minus strand). VCF-style: chr5-146144466-T-C. GRCh37 (hg19) VCF-style: chr5-145524029-T-C.
Other names: NC_000005.9:g.145524029T>C; c.1493+6A>G (NM_001317965.2); c.1574+6A>G (NM_016460.4); c.1517+6A>G (NM_001317964.2).
Identifiers: ClinVar variation 1193586 (VCV001193586.4), dbSNP rs373591577, ClinGen allele CA3489547.

ClinVar aggregate classification (germline): Uncertain significance (1 of 4 stars; one submission).

Allele frequency attached by ClinVar (database versions not stated): gnomAD 0.00009; TOPMed 0.00010; gnomAD exomes 0.00013 and 0.00014; ExAC 0.00015; ESP Exome Variant Server 0.00015.
gnomAD v4.1: 214 of 1,611,586 alleles (0.013%); highest among the groups gnomAD compares: Non-Finnish European, 0.017%; no homozygotes.

Submissions (3):

GeneDx
Classification: Uncertain significance. Last evaluated: 2024-09-26. Review status: criteria provided, single submitter. Criteria: GeneDx Variant Classification Process June 2021. Collection method: clinical testing. Allele origin: germline. Affected: yes.
Comment: In silico analysis supports a deleterious effect on splicing; Has not been previously published as pathogenic or benign to our knowledge

Dr. Peter K. Rogan Lab, Western University
No classification provided (evidence only). Condition: Familial cancer of breast. Review status: no classification provided. Collection method: in vitro. Allele origin: not applicable. Functional consequence: retained intron. Not counted in ClinVar's aggregate classification.

Dr. Peter K. Rogan Lab, Western University
No classification provided (evidence only). Condition: Malignant tumor of esophagus. Review status: no classification provided. Collection method: in vitro. Allele origin: not applicable. Functional consequence: retained intron. Not counted in ClinVar's aggregate classification.